The following is an entry in ClinVar:

NM_024426.6(WT1):c.784+7G>C

Gene: WT1 (WT1 transcription factor; minus strand). Cytogenetic location: 11p13.
Variant type: single nucleotide variant.
Coding change: c.784+7G>C on transcript NM_024426.6 (MANE Select); 7 bases into the intron after coding-DNA position 784, G replaced by C.
Molecular consequence: intron variant.
Genome position (GRCh38, 1-based): chr11:32,428,490, C>G on the plus strand (G>C on the coding strand, the complement: WT1 is on the minus strand). VCF-style: chr11-32428490-C-G. GRCh37 (hg19) VCF-style: chr11-32450036-C-G.
Other names: c.662-432G>C (NM_001407050.1, NM_001407047.1); c.784+7G>C (NM_001407048.1, NM_001407049.1, NM_000378.6 and 4 more transcripts); c.22+7G>C (NM_001407051.1); c.133+7G>C (NM_001198552.2, NM_001198551.2); c.769+7G>C (NM_024426.4).
Identifiers: ClinVar variation 1112415 (VCV001112415.12), dbSNP rs1033235205, ClinGen allele CA2499220920.
Genomic context (GRCh38, chr11:32,428,490, plus strand): 5'-TTCCTGGGGGAGAGGAGGATAGCACGGAAGAAGGGGAGAAGGACTCCACTTGGTTCCGCT[C>G]GCTTACCCAGCGAGCCCTGCTGGCCCATGGGATCCTCATGCTTGAATGAGTGGTTGGGGA-3'

ClinVar aggregate classification (germline): Likely benign. Review status: criteria provided, single submitter (1 of 4 stars). 2 submissions from 2 submitters: Likely benign (1). 1 of the submissions does not count toward it. Last evaluated 2025-06-25.

Conditions:
Wilms tumor 1 (WT1). Also called: Wilms tumor, somatic. Identifiers: Orphanet 654, MedGen CN033288, MONDO:0008679, OMIM 194070.
11p partial monosomy syndrome (WAGR). Also called: CHROMOSOME 11p13 DELETION SYNDROME; WAGR Complex; WAGR Spectrum Disorder; WAGR syndrome. Identifiers: Orphanet 893, MedGen C0206115, MONDO:0008681, OMIM 194072.
Drash syndrome (DDS). Also called: NEPHROPATHY, WILMS TUMOR, AND GENITAL ANOMALIES; WILMS TUMOR AND PSEUDO- OR TRUE HERMAPHRODITISM. Identifiers: Orphanet 220, MedGen C0950121, MONDO:0008682, OMIM 194080.
Frasier syndrome. Identifiers: Orphanet 347, MedGen C0950122, MeSH D052159, MONDO:0007635, OMIM 136680.
WT1-related disorder. Also called: WT1-related disorders. Identifiers: MedGen CN377814.

gnomAD v4.1: 1 of 1,614,036 alleles (0.000062%); highest among the groups gnomAD compares: African/African-American, 0.0013%; no homozygotes.

Submissions (2):

Labcorp Genetics (formerly Invitae), Labcorp
Classification: Likely benign for Wilms tumor 1; Drash syndrome; 11p partial monosomy syndrome; Frasier syndrome. Last evaluated: 2025-06-25. Review status: criteria provided, single submitter. Criteria: Invitae Variant Classification Sherloc (09022015). Collection method: clinical testing. Allele origin: germline.

PreventionGenetics, part of Exact Sciences
Classification: Likely benign for WT1-related condition. Last evaluated: 2021-05-26. Review status: no assertion criteria provided. Collection method: clinical testing. Allele origin: germline. Not counted in ClinVar's aggregate classification.
Comment: This variant is classified as likely benign based on ACMG/AMP sequence variant interpretation guidelines (Richards et al. 2015 PMID: 25741868, with internal and published modifications).